The following is an entry in ClinVar:

NM_021098.3(CACNA1H):c.5445+4C>G

Gene: CACNA1H (calcium voltage-gated channel subunit alpha1 H; plus strand). Cytogenetic location: 16p13.3.
Variant type: single nucleotide variant.
Coding change: c.5445+4C>G on transcript NM_021098.3 (MANE Select); 4 bases into the intron after coding-DNA position 5445, C replaced by G.
Molecular consequence: intron variant.
Genome position (GRCh38, 1-based): chr16:1,218,044, C>G. VCF-style: chr16-1218044-C-G. GRCh37 (hg19) VCF-style: chr16-1268044-C-G.
Other names: c.5427+4C>G (NM_001005407.2).
Identifiers: ClinVar variation 569475 (VCV000569475.9), dbSNP rs147142971, ClinGen allele CA891844261.

ClinVar aggregate classification (germline): Uncertain significance. Review status: criteria provided, multiple submitters, no conflicts (2 of 4 stars). 2 submissions from 2 submitters: Uncertain significance (2). Last evaluated 2025-08-17.

Conditions:
Idiopathic generalized epilepsy. Also called: Generalised epilepsy; EIG. Identifiers: MedGen C0270850, MONDO:0005579, OMIM 600669.
Hyperaldosteronism, familial, type IV (HALD4). Also called: FH IV; ALDOSTERONISM, PRIMARY, AND HYPERTENSION. Identifiers: Orphanet 642671, MedGen C4310756, MONDO:0014875, OMIM 617027.
Epilepsy, childhood absence, susceptibility to, 6. Identifiers: Orphanet 64280, MedGen C2749872, MONDO:0012763, OMIM 611942.

gnomAD v4.1: 1 of 1,596,226 alleles (0.000063%); highest among the groups gnomAD compares: Admixed American, 0.0017%; no homozygotes.

Submissions (2):

Labcorp Genetics (formerly Invitae), Labcorp
Classification: Uncertain significance for Idiopathic generalized epilepsy; Hyperaldosteronism, familial, type IV. Last evaluated: 2025-08-17. Review status: criteria provided, single submitter. Criteria: Invitae Variant Classification Sherloc (09022015). Collection method: clinical testing. Allele origin: germline.
Comment: This sequence change falls in intron 32 of the CACNA1H gene. It does not directly change the encoded amino acid sequence of the CACNA1H protein. It affects a nucleotide within the consensus splice site. This variant is not present in population databases (gnomAD no frequency). This variant has not been reported in the literature in individuals affected with CACNA1H-related conditions. ClinVar contains an entry for this variant (Variation ID: 569475). Variants that disrupt the consensus splice site are a relatively common cause of aberrant splicing (PMID: 17576681, 9536098). Algorithms developed to predict the effect of sequence changes on RNA splicing suggest that this variant is not likely to affect RNA splicing. In summary, the available evidence is currently insufficient to determine the role of this variant in disease. Therefore, it has been classified as a Variant of Uncertain Significance.

Fulgent Genetics
Classification: Uncertain significance for Epilepsy, childhood absence, susceptibility to, 6; Hyperaldosteronism, familial, type IV. Last evaluated: 2022-05-12. Review status: criteria provided, single submitter. Criteria: ACMG Guidelines, 2015. Collection method: clinical testing. Allele origin: unknown.

Literature cited by the submitters: PubMed 17576681 (cited by Labcorp Genetics (formerly Invitae), Labcorp); PubMed 9536098 (cited by Labcorp Genetics (formerly Invitae), Labcorp).